The following is an entry in ClinVar:

ClinVar aggregate classification (germline): Uncertain significance (1 of 4 stars; one submission).

Conditions:
Dyskeratosis congenita. Identifiers: Orphanet 1775, MedGen C0265965, MONDO:0015780.

Allele frequency attached by ClinVar (database versions not stated): gnomAD exomes below 0.00001; TOPMed below 0.00001; ExAC 0.00001.
gnomAD v4.1: 13 of 1,614,216 alleles (0.00081%); highest among the groups gnomAD compares: Non-Finnish European, 0.0011%; no homozygotes.

Submission:

Labcorp Genetics (formerly Invitae), Labcorp
Classification: Uncertain significance for Dyskeratosis congenita. Last evaluated: 2019-02-15. Review status: criteria provided, single submitter. Criteria: Invitae Variant Classification Sherloc (09022015). Collection method: clinical testing. Allele origin: germline.
Comment: This sequence change replaces arginine with tryptophan at codon 61 of the NHP2 protein (p.Arg61Trp). The arginine residue is highly conserved and there is a moderate physicochemical difference between arginine and tryptophan. This variant is present in population databases (rs773420072, ExAC 0.001%). This variant has not been reported in the literature in individuals with NHP2-related conditions. Algorithms developed to predict the effect of missense changes on protein structure and function output the following: SIFT: "Deleterious"; PolyPhen-2: "Benign"; Align-GVGD: "Class C0". The tryptophan amino acid residue is found in multiple mammalian species, suggesting that this missense change does not adversely affect protein function. These predictions have not been confirmed by published functional studies and their clinical significance is uncertain. In summary, the available evidence is currently insufficient to determine the role of this variant in disease. Therefore, it has been classified as a Variant of Uncertain Significance.

NM_017838.4(NHP2):c.181C>T (p.Arg61Trp)

Gene: NHP2 (NHP2 ribonucleoprotein; minus strand). Cytogenetic location: 5q35.3.
Variant type: single nucleotide variant.
Coding change: c.181C>T on transcript NM_017838.4 (MANE Select); coding-DNA position 181, C replaced by T.
Protein change: p.Arg61Trp; replaces arginine 61 with tryptophan.
Molecular consequence: missense variant.
Genome position (GRCh38, 1-based): chr5:178,153,540, G>A on the plus strand (C>T on the coding strand, the complement: NHP2 is on the minus strand). VCF-style: chr5-178153540-G-A. GRCh37 (hg19) VCF-style: chr5-177580541-G-A.
Other names: c.181C>T, p.Arg61Trp (NM_001034833.2); short protein forms R61W.
Identifiers: ClinVar variation 841317 (VCV000841317.1), dbSNP rs773420072, ClinGen allele CA3589232.
Genomic context (GRCh38, chr5:178,153,540, plus strand): 5'-AAGGTTCTTACCCTTTTTCTCCTTTGTTGACAAATTTCTGAACCTCTTTCACCCCGCGCC[G>A]AATCTGCTTCTGCTTCACCGCTGCAACGACAGAAGAGTCGGTCGGGGGCCTCGCTCAGCC-3'
Protein context (NP_060308.1, residues 51-71): IKKAVKQKQI[Arg61Trp]RGVKEVQKFV